The following is an entry in ClinVar:

ClinVar aggregate classification (germline): Uncertain significance (1 of 4 stars; one submission).

Allele frequency attached by ClinVar (database versions not stated): gnomAD exomes below 0.00001; gnomAD 0.00001; 1000 Genomes Project 30x 0.00016.

Submission:

Labcorp Genetics (formerly Invitae), Labcorp
Classification: Uncertain significance. Last evaluated: 2022-07-12. Review status: criteria provided, single submitter. Criteria: Invitae Variant Classification Sherloc (09022015). Collection method: clinical testing. Allele origin: germline.
Comment: This sequence change replaces glycine, which is neutral and non-polar, with arginine, which is basic and polar, at codon 7 of the AGBL5 protein (p.Gly7Arg). This variant is not present in population databases (gnomAD no frequency). This variant has not been reported in the literature in individuals affected with AGBL5-related conditions. ClinVar contains an entry for this variant (Variation ID: 1026284). Algorithms developed to predict the effect of missense changes on protein structure and function are either unavailable or do not agree on the potential impact of this missense change (SIFT: "Deleterious"; PolyPhen-2: "Probably Damaging"; Align-GVGD: "Class C0"). In summary, the available evidence is currently insufficient to determine the role of this variant in disease. Therefore, it has been classified as a Variant of Uncertain Significance.

NM_021831.6(AGBL5):c.19G>A (p.Gly7Arg)

Gene: AGBL5 (AGBL carboxypeptidase 5; plus strand). Cytogenetic location: 2p23.3.
Variant type: single nucleotide variant.
Coding change: c.19G>A on transcript NM_021831.6 (MANE Select); coding-DNA position 19, G replaced by A.
Protein change: p.Gly7Arg; replaces glycine 7 with arginine.
Molecular consequence: missense variant. On other transcripts: non-coding transcript variant (2).
Genome position (GRCh38, 1-based): chr2:27,052,977, G>A. VCF-style: chr2-27052977-G-A. GRCh37 (hg19) VCF-style: chr2-27275845-G-A.
Other names: c.19G>A, p.Gly7Arg (NM_001035507.3); short protein forms G7R.
Identifiers: ClinVar variation 1026284 (VCV001026284.6), dbSNP rs1668243864, ClinGen allele CA346166768.